The following is an entry in ClinVar:

NM_001692.4(ATP6V1B1):c.33G>C (p.Gly11=)

Gene: ATP6V1B1 (ATPase H+ transporting V1 subunit B1; plus strand). Cytogenetic location: 2p13.3.
Variant type: single nucleotide variant.
Coding change: c.33G>C on transcript NM_001692.4 (MANE Select); coding-DNA position 33, G replaced by C.
Protein change: p.Gly11=; no amino-acid change (glycine 11 retained).
Molecular consequence: synonymous variant.
Genome position (GRCh38, 1-based): chr2:70,935,987, G>C. VCF-style: chr2-70935987-G-C. GRCh37 (hg19) VCF-style: chr2-71163117-G-C.
Identifiers: ClinVar variation 336917 (VCV000336917.14), dbSNP rs199559744, ClinGen allele CA1700816.

ClinVar aggregate classification (germline): Likely benign. Review status: criteria provided, multiple submitters, no conflicts (2 of 4 stars). 2 submissions from 2 submitters: Likely benign (2). Last evaluated 2024-02-26.

Allele frequency attached by ClinVar (database versions not stated): TOPMed 0.00001.
gnomAD v4.1: 14 of 1,613,854 alleles (0.00087%); highest among the groups gnomAD compares: Middle Eastern, 0.016%; no homozygotes.

Submissions (2):

Labcorp Genetics (formerly Invitae), Labcorp
Classification: Likely benign. Last evaluated: 2024-02-26. Review status: criteria provided, single submitter. Criteria: Invitae Variant Classification Sherloc (09022015). Collection method: clinical testing. Allele origin: germline.

GeneDx
Classification: Likely benign. Last evaluated: 2020-09-14. Review status: criteria provided, single submitter. Criteria: GeneDx Variant Classification Process June 2021. Collection method: clinical testing. Allele origin: germline. Affected: yes.
Comment: See Variant Classification Assertion Criteria.